The following is an entry in ClinVar:

ClinVar aggregate classification (germline): Conflicting classifications of pathogenicity. Review status: criteria provided, conflicting classifications (1 of 4 stars). 2 submissions from 2 submitters: Uncertain significance (1); Likely benign (1). Last evaluated 2025-03-19.

Conditions:
Inborn genetic diseases. Identifiers: MedGen C0950123, MeSH D030342.

Submissions (2):

Ambry Genetics
Classification: Likely benign for Inborn genetic diseases. Last evaluated: 2025-03-19. Review status: criteria provided, single submitter. Criteria: Ambry Variant Classification Scheme 2023. Collection method: clinical testing. Allele origin: germline.

GeneDx
Classification: Uncertain significance. Last evaluated: 2025-02-25. Review status: criteria provided, single submitter. Criteria: GeneDx Variant Classification Process June 2021. Collection method: clinical testing. Allele origin: germline. Affected: yes.
Comment: Not observed at significant frequency in large population cohorts (gnomAD); Has not been previously published as pathogenic or benign to our knowledge; In silico analysis suggests this variant may impact gene splicing. In the absence of RNA/functional studies, the actual effect of this sequence change is unknown.

NM_016222.4(DDX41):c.982C>T (p.Leu328=)

Gene: DDX41 (DEAD-box helicase 41; minus strand). Cytogenetic location: 5q35.3.
Variant type: single nucleotide variant.
Coding change: c.982C>T on transcript NM_016222.4 (MANE Select); coding-DNA position 982, C replaced by T.
Protein change: p.Leu328=; no amino-acid change (leucine 328 retained).
Molecular consequence: synonymous variant.
Genome position (GRCh38, 1-based): chr5:177,513,801, G>A on the plus strand (C>T on the coding strand, the complement: DDX41 is on the minus strand). VCF-style: chr5-177513801-G-A. GRCh37 (hg19) VCF-style: chr5-176940802-G-A.
Other names: c.604C>T, p.Leu202= (NM_001321732.2, NM_001321830.2).
Identifiers: ClinVar variation 4010256 (VCV004010256.2).